The following is an entry in ClinVar:

ClinVar aggregate classification (germline): Uncertain significance (1 of 4 stars; one submission).

Conditions:
Propionic acidemia (PROP). Also called: HYPERGLYCINEMIA WITH KETOACIDOSIS AND LEUKOPENIA; KETOTIC HYPERGLYCINEMIA; GLYCINEMIA, KETOTIC. Identifiers: Orphanet 35, MedGen C0268579, MONDO:0011628, OMIM 606054, HP:0003571.

Allele frequency attached by ClinVar (database versions not stated): gnomAD exomes 0.00001.
gnomAD v4.1: 5 of 1,611,170 alleles (0.00031%); highest among the groups gnomAD compares: Admixed American, 0.0067%; no homozygotes.

Submission:

Labcorp Genetics (formerly Invitae), Labcorp
Classification: Uncertain significance for Propionic acidemia. Last evaluated: 2024-12-23. Review status: criteria provided, single submitter. Criteria: Invitae Variant Classification Sherloc (09022015). Collection method: clinical testing. Allele origin: germline.
Comment: This sequence change replaces phenylalanine, which is neutral and non-polar, with cysteine, which is neutral and slightly polar, at codon 102 of the PCCB protein (p.Phe102Cys). This variant is present in population databases (no rsID available, gnomAD 0.009%). This variant has not been reported in the literature in individuals affected with PCCB-related conditions. ClinVar contains an entry for this variant (Variation ID: 1356465). An algorithm developed to predict the effect of missense changes on protein structure and function (PolyPhen-2) suggests that this variant is likely to be disruptive. In summary, the available evidence is currently insufficient to determine the role of this variant in disease. Therefore, it has been classified as a Variant of Uncertain Significance.

NM_000532.5(PCCB):c.305T>G (p.Phe102Cys)

Gene: PCCB (propionyl-CoA carboxylase subunit beta; plus strand). Cytogenetic location: 3q22.3.
Variant type: single nucleotide variant.
Coding change: c.305T>G on transcript NM_000532.5 (MANE Select); coding-DNA position 305, T replaced by G.
Protein change: p.Phe102Cys; replaces phenylalanine 102 with cysteine.
Molecular consequence: missense variant.
Genome position (GRCh38, 1-based): chr3:136,256,556, T>G. VCF-style: chr3-136256556-T-G. GRCh37 (hg19) VCF-style: chr3-135975398-T-G.
Other names: c.305T>G, p.Phe102Cys (NM_001178014.2); short protein forms F102C.
Identifiers: ClinVar variation 1356465 (VCV001356465.6), dbSNP rs1248879007, ClinGen allele CA354738643.